The following is an entry in ClinVar:

ClinVar aggregate classification (germline): Uncertain significance (1 of 4 stars; one submission).

Submission:

Labcorp Genetics (formerly Invitae), Labcorp
Classification: Uncertain significance. Last evaluated: 2024-09-08. Review status: criteria provided, single submitter. Criteria: Invitae Variant Classification Sherloc (09022015). Collection method: clinical testing. Allele origin: germline.
Comment: This sequence change replaces glutamic acid, which is acidic and polar, with valine, which is neutral and non-polar, at codon 1006 of the SON protein (p.Glu1006Val). This variant is not present in population databases (gnomAD no frequency). This variant has not been reported in the literature in individuals affected with SON-related conditions. An algorithm developed to predict the effect of missense changes on protein structure and function (PolyPhen-2) suggests that this variant is likely to be disruptive. In summary, the available evidence is currently insufficient to determine the role of this variant in disease. Therefore, it has been classified as a Variant of Uncertain Significance.

NM_138927.4(SON):c.3017A>T (p.Glu1006Val)

Gene: SON (SON DNA and RNA binding protein; plus strand). Cytogenetic location: 21q22.11.
Variant type: single nucleotide variant.
Coding change: c.3017A>T on transcript NM_138927.4 (MANE Select); coding-DNA position 3017, A replaced by T.
Protein change: p.Glu1006Val; replaces glutamic acid 1006 with valine.
Molecular consequence: missense variant. On other transcripts: intron variant (1), non-coding transcript variant (1).
Genome position (GRCh38, 1-based): chr21:33,552,248, A>T. VCF-style: chr21-33552248-A-T. GRCh37 (hg19) VCF-style: chr21-34924554-A-T.
Other names: c.245-4908A>T (NM_001291412.3); c.3017A>T, p.Glu1006Val (NM_001291411.2, NM_032195.3); short protein forms E1006V.
Identifiers: ClinVar variation 3664052 (VCV003664052.2).